The following is an entry in ClinVar:

NM_001148.6(ANK2):c.3578G>A (p.Arg1193His)

Gene: ANK2 (ankyrin 2; plus strand). Cytogenetic location: 4q26.
Variant type: single nucleotide variant.
Coding change: c.3578G>A on transcript NM_001148.6 (MANE Select); coding-DNA position 3578, G replaced by A.
Protein change: p.Arg1193His; replaces arginine 1193 with histidine.
Molecular consequence: missense variant. On other transcripts: 5 prime UTR variant (2).
Genome position (GRCh38, 1-based): chr4:113,336,044, G>A. VCF-style: chr4-113336044-G-A. GRCh37 (hg19) VCF-style: chr4-114257200-G-A.
Other names: c.3551G>A, p.Arg1184His (NM_001127493.3); c.3590G>A, p.Arg1197His (NM_001354225.2); c.3479G>A, p.Arg1160His (NM_001354228.2, NM_001354258.2); c.3557G>A, p.Arg1186His (NM_001354230.2); c.3620G>A, p.Arg1207His (NM_001354231.2, NM_001354242.2); c.3614G>A, p.Arg1205His (NM_001354232.2); c.3575G>A, p.Arg1192His (NM_001354235.2, NM_001354246.2, NM_001354265.2); c.3476G>A, p.Arg1159His (NM_001354236.2); and 31 more; short protein forms R1184H, R1193H, R1122H, R1138H, R1171H, R1197H, R1208H, R1219H.
Identifiers: ClinVar variation 406476 (VCV000406476.5), dbSNP rs761941047, ClinGen allele CA3050866.
Genomic context (GRCh38, chr4:113,336,044, plus strand): 5'-GCACAGTGGTGCCCCAGGTGCAGGCCGTCTTCCCAGAGGGGGCACTCACCAAGCGGATCC[G>A]CGTAGGCCTGCAGGTATGCCCATGTTAGATGCAAATGATCCTAACAGGATTGTATTCTAA-3'
Protein context (NP_001139.3, residues 1183-1203): FPEGALTKRI[Arg1193His]VGLQAQPMHS

ClinVar aggregate classification (germline): Uncertain significance (1 of 4 stars; one submission).

Conditions:
Long QT syndrome (LQTS). Identifiers: MedGen C0023976, MeSH D008133, MONDO:0002442. Disease mechanism: loss of function. Inheritance: Various modes of inheritance.

Allele frequency attached by ClinVar (database versions not stated): TOPMed below 0.00001; gnomAD exomes 0.00001 and 0.00002; ExAC 0.00002.
gnomAD v4.1: 10 of 1,613,902 alleles (0.00062%); highest among the groups gnomAD compares: Admixed American, 0.0033%; no homozygotes.

Submission:

Labcorp Genetics (formerly Invitae), Labcorp
Classification: Uncertain significance for Long QT syndrome. Last evaluated: 2025-05-29. Review status: criteria provided, single submitter. Criteria: Invitae Variant Classification Sherloc (09022015). Collection method: clinical testing. Allele origin: germline.
Comment: This sequence change replaces arginine, which is basic and polar, with histidine, which is basic and polar, at codon 1193 of the ANK2 protein (p.Arg1193His). This variant is present in population databases (rs761941047, gnomAD 0.006%). This variant has not been reported in the literature in individuals affected with ANK2-related conditions. ClinVar contains an entry for this variant (Variation ID: 406476). Invitae Evidence Modeling of protein sequence and biophysical properties (such as structural, functional, and spatial information, amino acid conservation, physicochemical variation, residue mobility, and thermodynamic stability) indicates that this missense variant is not expected to disrupt ANK2 protein function with a negative predictive value of 80%. In summary, the available evidence is currently insufficient to determine the role of this variant in disease. Therefore, it has been classified as a Variant of Uncertain Significance.